The following continues an entry in ClinVar:

NM_001371596.2(MFSD8):c.1361T>C (p.Met454Thr)

Gene: MFSD8. ClinVar aggregate classification (germline): Pathogenic/Likely pathogenic. Pathogenic (12); Likely pathogenic (6).

Submissions 11 to 22 of 22:

Ophthalmic Genetics Group, Institute of Molecular and Clinical Ophthalmology Basel
Classification: Likely pathogenic for Retinal dystrophy. Last evaluated: 2024-05-27. Review status: criteria provided, single submitter. Criteria: ACMG Guidelines, 2015. Collection method: research. Allele origin: germline. Affected: yes. Observed: 1 variant allele.
Comment: This variant was classified as Likely pathogenic based on ACMG criteria: PM1_sup, PM2_mod, PM3_strong, PP2_sup and PP3_sup

Fulgent Genetics
Classification: Pathogenic for Neuronal ceroid lipofuscinosis 7; Macular dystrophy with central cone involvement. Last evaluated: 2024-03-28. Review status: criteria provided, single submitter. Criteria: ACMG Guidelines, 2015. Collection method: clinical testing. Allele origin: germline.

Blueprint Genetics
Classification: Pathogenic for MFSD8-related disorders. Last evaluated: 2024-03-07. Review status: criteria provided, single submitter. Criteria: ACMG Guidelines, 2015. Collection method: clinical testing. Allele origin: germline. Affected: yes. Observed: 5 variant alleles.

Revvity Omics, Revvity
Classification: Likely pathogenic. Last evaluated: 2023-10-10. Review status: criteria provided, single submitter. Criteria: ACMG Guidelines, 2015. Collection method: clinical testing. Allele origin: germline.

Neuberg Centre For Genomic Medicine, NCGM
Classification: Pathogenic for Macular dystrophy with central cone involvement. Last evaluated: 2023-05-20. Review status: criteria provided, single submitter. Criteria: ACMG Guidelines, 2015. Collection method: clinical testing. Allele origin: germline. Inheritance: Autosomal recessive inheritance. Affected: yes.
Comment: The observed missense variant c.1361T>C (p.Met454Thr) in MFSD8 gene has been reported previously in both homozygous and compound heterozygous state in multiple individuals affected with MFSD8-associated retinal disorder (Carss et al. 2017; Khan et al. 2017; Zare-Abdollahi et al. 2019). This variant is reported to be segregating with the disease (Zare-Abdollahi et al. 2019). This variant is identified as a founder variant of South-Asian origin (Khan et al. 2017). The p.Met454Thr variant is present with an allele frequency of 0.01% on gnomAD exomes database. This variant has been submitted to the ClinVar database as Likely Pathogenic / Pathogenic. Multiple lines of computational evidence (SIFT - damaging; Polyphen - probably damaging; MutationTaster - disease causing) predict a damaging effect on protein structure and function for this variant. The reference amino acid at this position on MFSD8 gene is predicted as conserved by GERP++ and PhyloP across 100 vertebrates. The amino acid Met at position 454 is changed to a Thr changing protein sequence and it might alter its composition and physico-chemical properties. For these reasons, this variant has been classified as Pathogenic.

Ambry Genetics
Classification: Pathogenic for Inborn genetic diseases. Last evaluated: 2022-11-01. Review status: criteria provided, single submitter. Criteria: Ambry Variant Classification Scheme 2023. Collection method: clinical testing. Allele origin: germline.
Comment: The p.M454T variant (also known as c.1361T>C), located in coding exon 12 of the MFSD8 gene, results from a T to C substitution at nucleotide position 1361. The methionine at codon 454 is replaced by threonine, an amino acid with similar properties. This variant has been identified in the homozygous state and in trans with a MFSD8 likely pathogenic variant in multiple individuals with clinical features of MFSD8-associated disease (Pati&ntilde;o LC et al. PLoS One, 2014 Oct;9:e109576; Khan KN et al. Invest Ophthalmol Vis Sci, 2017 06;58:2906-2914; Zare-Abdollahi D et al. Ophthalmic Genet, 2019 04;40:141-145; Zampaglione E et al. Genet Med, 2020 06;22:1079-1087; Carss KJ et al. Am J Hum Genet, 2017 01;100:75-90). In addition, this alteration has been shown to co-segregate with disease in multiple individuals from two families who have clinical features consistent with MFSD8-related disorders (Zare-Abdollahi D et al. Ophthalmic Genet, 2019 04;40:141-145). This amino acid position is highly conserved in available vertebrate species. In addition, this alteration is predicted to be deleterious by in silico analysis. Based on the supporting evidence, this alteration is interpreted as a disease-causing mutation.

Women's Health and Genetics/Laboratory Corporation of America, LabCorp
Classification: Pathogenic for Neuronal ceroid lipofuscinosis. Last evaluated: 2021-12-07. Review status: criteria provided, single submitter. Criteria: LabCorp Variant Classification Summary - May 2015. Collection method: clinical testing. Allele origin: germline.
Comment: Variant summary: MFSD8 c.1361T>C (p.Met454Thr) results in a non-conservative amino acid change located in the Major facilitator superfamily domain (IPR020846) of the encoded protein sequence. Four of five in-silico tools predict a damaging effect of the variant on protein function. The variant allele was found at a frequency of 0.00011 in 250440 control chromosomes, predominantly at a frequency of 0.00082 within the South Asian subpopulation in the gnomAD database, including 1 homozygote. This frequency is not higher than expected for a pathogenic variant in MFSD8 causing Neuronal Ceroid-Lipofuscinosis (Batten Disease) (0.00082 vs 0.00094), allowing no conclusion about variant significance. c.1361T>C has been reported in the literature in multiple homozygous and compound heterozygous individuals affected with retinal disease (e.g. Carss_2017, Khan_2017, Zare-Abdollahi_2019). It was also reported in cis with another variant in homozygous siblings affected with late-infantile Neuronal Ceroid-Lipofuscinosis (Patino_2014). These data indicate that the variant is very likely to be associated with disease. To our knowledge, no experimental evidence demonstrating an impact on protein function has been reported. Two ClinVar submitters (evaluation after 2014) cite the variant as pathogenic/likely pathogenic while two other submitters (evaluation after 2014) cite it as uncertain significance. Based on the evidence outlined above, the variant was classified as pathogenic.

Kariminejad - Najmabadi Pathology & Genetics Center
Classification: Pathogenic for Neuronal ceroid lipofuscinosis 7. Review status: criteria provided, single submitter. Criteria: ACMG Guidelines, 2015. Collection method: clinical testing. Allele origin: germline. Affected: no.

NIHR Bioresource Rare Diseases, University of Cambridge
Classification: Likely pathogenic for Retinitis pigmentosa. Last evaluated: 2015-01-01. Review status: no assertion criteria provided. Collection method: research. Allele origin: unknown. Affected: yes. Observed: 1 variant allele. Not counted in ClinVar's aggregate classification.

NIHR Bioresource Rare Diseases, University of Cambridge
Classification: Likely pathogenic. Last evaluated: 2015-01-01. Review status: no assertion criteria provided. Collection method: research. Allele origin: unknown. Affected: yes. Observed: 1 variant allele. Not counted in ClinVar's aggregate classification.

NIHR Bioresource Rare Diseases, University of Cambridge
Classification: Likely pathogenic for Retinal dystrophy. Last evaluated: 2015-01-01. Review status: no assertion criteria provided. Collection method: research. Allele origin: unknown. Affected: yes. Observed: 2 variant alleles. Not counted in ClinVar's aggregate classification.

Genomics England Pilot Project, Genomics England
Classification: Likely pathogenic for Macular dystrophy with central cone involvement. Review status: no assertion criteria provided. Criteria: ACGS Guidelines, 2016. Collection method: clinical testing. Allele origin: germline. Affected: yes. Not counted in ClinVar's aggregate classification.

Literature cited by the submitters: PubMed 25333361 (cited by 6 submitters); PubMed 28041643 (cited by 5 submitters); PubMed 28586915 (cited by 4 submitters); PubMed 36912596 (cited by Natera, Inc.); PubMed 31006324 (cited by 3 submitters); PubMed 40180963 (cited by Ophthalmic Genetics Group, Institute of Molecular and Clinical Ophthalmology Basel); PubMed 32037395 (cited by Ambry Genetics); PubMed 32581362 (cited by Women's Health and Genetics/Laboratory Corporation of America, LabCorp).